The following is an entry in ClinVar:

ClinVar aggregate classification (germline): Uncertain significance. Review status: criteria provided, multiple submitters, no conflicts (2 of 4 stars). 2 submissions from 2 submitters: Uncertain significance (2). Last evaluated 2025-08-07.

Allele frequency attached by ClinVar (database versions not stated): ExAC 0.00004; gnomAD exomes 0.00005; gnomAD 0.00006 and 0.00007; TOPMed 0.00007.
gnomAD v4.1: 79 of 1,613,556 alleles (0.0049%); highest among the groups gnomAD compares: African/African-American, 0.0067%; no homozygotes.

Submissions (2):

Labcorp Genetics (formerly Invitae), Labcorp
Classification: Uncertain significance. Last evaluated: 2025-08-07. Review status: criteria provided, single submitter. Criteria: Invitae Variant Classification Sherloc (09022015). Collection method: clinical testing. Allele origin: germline.
Comment: This sequence change replaces lysine, which is basic and polar, with glutamine, which is neutral and polar, at codon 1182 of the ERBB2 protein (p.Lys1182Gln). This variant is present in population databases (rs763027953, gnomAD 0.01%). This variant has not been reported in the literature in individuals affected with ERBB2-related conditions. ClinVar contains an entry for this variant (Variation ID: 1429912). An algorithm developed to predict the effect of missense changes on protein structure and function (PolyPhen-2) suggests that this variant is likely to be tolerated. In summary, the available evidence is currently insufficient to determine the role of this variant in disease. Therefore, it has been classified as a Variant of Uncertain Significance.

Breakthrough Genomics
Classification: Uncertain significance. Review status: criteria provided, single submitter. Criteria: ACMG Guidelines, 2015. Collection method: not provided. Allele origin: germline. Inheritance: Autosomal recessive inheritance. Affected: yes.

NM_004448.4(ERBB2):c.3544A>C (p.Lys1182Gln)

Gene: ERBB2 (erb-b2 receptor tyrosine kinase 2; plus strand). Cytogenetic location: 17q12.
Variant type: single nucleotide variant.
Coding change: c.3544A>C on transcript NM_004448.4 (MANE Select); coding-DNA position 3544, A replaced by C.
Protein change: p.Lys1182Gln; replaces lysine 1182 with glutamine.
Molecular consequence: missense variant. On other transcripts: 3 prime UTR variant (2), non-coding transcript variant (1).
Genome position (GRCh38, 1-based): chr17:39,727,820, A>C. VCF-style: chr17-39727820-A-C. GRCh37 (hg19) VCF-style: chr17-37884073-A-C.
Other names: c.3454A>C, p.Lys1152Gln (NM_001005862.3, NM_001382782.1, NM_001382783.1); c.3499A>C, p.Lys1167Gln (NM_001289936.2); c.*123A>C (NM_001289937.2, NM_001382803.1); c.3661A>C, p.Lys1221Gln (NM_001382784.1); c.3646A>C, p.Lys1216Gln (NM_001382785.1); c.3625A>C, p.Lys1209Gln (NM_001382786.1); c.3619A>C, p.Lys1207Gln (NM_001382787.1); c.3574A>C, p.Lys1192Gln (NM_001382788.1); and 16 more; short protein forms K1166Q, K1167Q, K1221Q, K1096Q, K1120Q, K1152Q, K1153Q, K1181Q.
Identifiers: ClinVar variation 1429912 (VCV001429912.9), dbSNP rs763027953, ClinGen allele CA8534582.